The following is an entry in ClinVar:

NM_002775.5(HTRA1):c.1065C>T (p.Ile355=)

Gene: HTRA1 (HtrA serine peptidase 1; plus strand). Cytogenetic location: 10q26.13.
Variant type: single nucleotide variant.
Coding change: c.1065C>T on transcript NM_002775.5 (MANE Select); coding-DNA position 1065, C replaced by T.
Protein change: p.Ile355=; no amino-acid change (isoleucine 355 retained).
Molecular consequence: synonymous variant.
Genome position (GRCh38, 1-based): chr10:122,508,715, C>T. VCF-style: chr10-122508715-C-T. GRCh37 (hg19) VCF-style: chr10-124268231-C-T.
Identifiers: ClinVar variation 713621 (VCV000713621.9), dbSNP rs371612872, ClinGen allele CA5726034.

ClinVar aggregate classification (germline): Likely benign. Review status: criteria provided, multiple submitters, no conflicts (2 of 4 stars). 2 submissions from 2 submitters: Likely benign (2). Last evaluated 2025-09-09.

Conditions:
HTRA1-related disorder. Also called: HTRA1-related condition.

Allele frequency attached by ClinVar (database versions not stated): ExAC 0.00013; ESP Exome Variant Server 0.00015; TOPMed 0.00016; gnomAD 0.00018 and 0.00019; gnomAD exomes 0.00019.
gnomAD v4.1: 216 of 1,613,888 alleles (0.013%); highest among the groups gnomAD compares: Admixed American, 0.087%; no homozygotes.

Submissions (2):

Labcorp Genetics (formerly Invitae), Labcorp
Classification: Likely benign. Last evaluated: 2025-09-09. Review status: criteria provided, single submitter. Criteria: Invitae Variant Classification Sherloc (09022015). Collection method: clinical testing. Allele origin: germline.

PreventionGenetics, part of Exact Sciences
Classification: Likely benign for HTRA1-related condition. Last evaluated: 2025-07-15. Review status: criteria provided, single submitter. Criteria: ACMG Guidelines, 2015. Collection method: clinical testing. Allele origin: germline.
Comment: This variant is classified as likely benign based on ACMG/AMP sequence variant interpretation guidelines (Richards et al. 2015 PMID: 25741868, with internal and published modifications).